The following is an entry in ClinVar:

ClinVar aggregate classification (germline): Uncertain significance (1 of 4 stars; one submission).

Conditions:
Developmental and epileptic encephalopathy, 9 (DEE9). Also called: Early infantile epileptic encephalopathy 9; EPILEPSY, FEMALE-RESTRICTED, WITH MENTAL RETARDATION; JUBERG-HELLMAN SYNDROME; PCDH19-Related X-Linked Female-Limited Epilepsy with Mental Retardation. Identifiers: Orphanet 101039, Orphanet 2076, MedGen C1848137, MONDO:0010246, OMIM 300088. Disease mechanism: loss of function.

Submission:

Labcorp Genetics (formerly Invitae), Labcorp
Classification: Uncertain significance for Developmental and epileptic encephalopathy, 9. Last evaluated: 2024-02-23. Review status: criteria provided, single submitter. Criteria: Invitae Variant Classification Sherloc (09022015). Collection method: clinical testing. Allele origin: germline.
Comment: This sequence change replaces threonine, which is neutral and polar, with lysine, which is basic and polar, at codon 180 of the PCDH19 protein (p.Thr180Lys). This variant is not present in population databases (gnomAD no frequency). This variant has not been reported in the literature in individuals affected with PCDH19-related conditions. ClinVar contains an entry for this variant (Variation ID: 1062833). Advanced modeling of protein sequence and biophysical properties (such as structural, functional, and spatial information, amino acid conservation, physicochemical variation, residue mobility, and thermodynamic stability) has been performed at Invitae for this missense variant, however the output from this modeling did not meet the statistical confidence thresholds required to predict the impact of this variant on PCDH19 protein function. In summary, the available evidence is currently insufficient to determine the role of this variant in disease. Therefore, it has been classified as a Variant of Uncertain Significance.

NM_001184880.2(PCDH19):c.539C>A (p.Thr180Lys)

Gene: PCDH19 (protocadherin 19; minus strand). Cytogenetic location: Xq22.1.
Variant type: single nucleotide variant.
Coding change: c.539C>A on transcript NM_001184880.2 (MANE Select); coding-DNA position 539, C replaced by A.
Protein change: p.Thr180Lys; replaces threonine 180 with lysine.
Molecular consequence: missense variant.
Genome position (GRCh38, 1-based): chrX:100,408,059, G>T on the plus strand (C>A on the coding strand, the complement: PCDH19 is on the minus strand). VCF-style: chrX-100408059-G-T. GRCh37 (hg19) VCF-style: chrX-99663057-G-T.
Other names: c.539C>A, p.Thr180Lys (NM_001105243.2, NM_020766.3); short protein forms T180K.
Identifiers: ClinVar variation 1062833 (VCV001062833.9), dbSNP rs796052803, ClinGen allele CA414009381.
Genomic context (GRCh38, chrX:100,408,059, plus strand): 5'-GTCTCGCGGTCCAGGCTCTTTTCCACCACGAGTTCGGCAAAGCGGGAGCCGTCGCCGCGC[G>T]TCTTGATCTCCAGGCCGAACAGCTCGTTGGGCGTGAGCTCGTAAGTCTGCACGCCAAAGC-3'
Protein context (NP_001171809.1, residues 170-190): PNELFGLEIK[Thr180Lys]RGDGSRFAEL